The following is an entry in ClinVar:

NM_004836.7(EIF2AK3):c.511A>G (p.Met171Val)

Gene: EIF2AK3 (eukaryotic translation initiation factor 2 alpha kinase 3; minus strand). Cytogenetic location: 2p11.2.
Variant type: single nucleotide variant.
Coding change: c.511A>G on transcript NM_004836.7 (MANE Select); coding-DNA position 511, A replaced by G.
Protein change: p.Met171Val; replaces methionine 171 with valine.
Molecular consequence: missense variant.
Genome position (GRCh38, 1-based): chr2:88,595,591, T>C on the plus strand (A>G on the coding strand, the complement: EIF2AK3 is on the minus strand). VCF-style: chr2-88595591-T-C. GRCh37 (hg19) VCF-style: chr2-88895109-T-C.
Other names: c.58A>G, p.Met20Val (NM_001313915.2); c.511A>G (NM_004836.5); short protein forms M171V, M20V.
Identifiers: ClinVar variation 1400543 (VCV001400543.7), dbSNP rs1425626815, ClinGen allele CA347596845.

ClinVar aggregate classification (germline): Uncertain significance. Review status: criteria provided, multiple submitters, no conflicts (2 of 4 stars). 3 submissions from 3 submitters: Uncertain significance (3). Last evaluated 2024-08-26.

Conditions:
Inborn genetic diseases. Identifiers: MedGen C0950123, MeSH D030342.
Wolcott-Rallison dysplasia. Also called: MED-IDDM SYNDROME; Wolcott-Rallison syndrome. Identifiers: Orphanet 1667, MedGen C0432217, MONDO:0009192, OMIM 226980.

Allele frequency attached by ClinVar (database versions not stated): gnomAD exomes below 0.00001; TOPMed 0.00001.

Submissions (3):

Ambry Genetics
Classification: Uncertain significance for Inborn genetic diseases. Last evaluated: 2024-08-26. Review status: criteria provided, single submitter. Criteria: Ambry Variant Classification Scheme 2023. Collection method: clinical testing. Allele origin: germline.

Fulgent Genetics
Classification: Uncertain significance for Wolcott-Rallison dysplasia. Last evaluated: 2022-04-14. Review status: criteria provided, single submitter. Criteria: ACMG Guidelines, 2015. Collection method: clinical testing. Allele origin: unknown.

Labcorp Genetics (formerly Invitae), Labcorp
Classification: Uncertain significance. Last evaluated: 2021-09-24. Review status: criteria provided, single submitter. Criteria: Invitae Variant Classification Sherloc (09022015). Collection method: clinical testing. Allele origin: germline.
Comment: This sequence change replaces methionine with valine at codon 171 of the EIF2AK3 protein (p.Met171Val). The methionine residue is moderately conserved and there is a small physicochemical difference between methionine and valine. This variant is not present in population databases (ExAC no frequency). This variant has not been reported in the literature in individuals with EIF2AK3-related conditions. Algorithms developed to predict the effect of missense changes on protein structure and function (SIFT, PolyPhen-2, Align-GVGD) all suggest that this variant is likely to be tolerated, but these predictions have not been confirmed by published functional studies and their clinical significance is uncertain. In summary, the available evidence is currently insufficient to determine the role of this variant in disease. Therefore, it has been classified as a Variant of Uncertain Significance.